The following is an entry in ClinVar:

ClinVar aggregate classification (germline): Uncertain significance. Review status: criteria provided, multiple submitters, no conflicts (2 of 4 stars). 6 submissions from 6 submitters: Uncertain significance (6). Last evaluated 2024-10-01.

Conditions:
Cardiovascular phenotype. Identifiers: MedGen CN230736.
Myofibrillar myopathy 5. Also called: Filaminopathy (type); FILAMINOPATHY, AUTOSOMAL DOMINANT. Identifiers: Orphanet 171445, MedGen C1836050, MONDO:0012289, OMIM 609524.
Dilated Cardiomyopathy, Dominant.
Distal myopathy with posterior leg and anterior hand involvement. Also called: WILLIAMS DISTAL MYOPATHY. Identifiers: Orphanet 63273, MedGen C3279722, MONDO:0013550, OMIM 614065.
Hypertrophic cardiomyopathy 26. Also called: Cardiomyopathy, familial hypertrophic, 26. Identifiers: Orphanet 75249, MedGen C4310749, MONDO:0014883, OMIM 617047.

Allele frequency attached by ClinVar (database versions not stated): gnomAD 0.00002; gnomAD exomes 0.00002; TOPMed 0.00002.
gnomAD v4.1: 38 of 1,613,820 alleles (0.0024%); highest among the groups gnomAD compares: Non-Finnish European, 0.0031%; no homozygotes.

Submissions (6):

CeGaT Center for Human Genetics Tuebingen
Classification: Uncertain significance. Last evaluated: 2024-10-01. Review status: criteria provided, single submitter. Criteria: CeGaT Center For Human Genetics Tuebingen Variant Classification Criteria Version 2. Collection method: clinical testing. Allele origin: germline. Affected: yes. Observed: 1 variant allele.
Comment: FLNC: PM2, BP4

Labcorp Genetics (formerly Invitae), Labcorp
Classification: Uncertain significance for Distal myopathy with posterior leg and anterior hand involvement; Myofibrillar myopathy 5; Hypertrophic cardiomyopathy 26. Last evaluated: 2024-09-14. Review status: criteria provided, single submitter. Criteria: Invitae Variant Classification Sherloc (09022015). Collection method: clinical testing. Allele origin: germline.
Comment: This sequence change falls in intron 37 of the FLNC gene. It does not directly change the encoded amino acid sequence of the FLNC protein. It affects a nucleotide within the consensus splice site. This variant is present in population databases (no rsID available, gnomAD 0.005%). This variant has not been reported in the literature in individuals affected with FLNC-related conditions. ClinVar contains an entry for this variant (Variation ID: 539402). Variants that disrupt the consensus splice site are a relatively common cause of aberrant splicing (PMID: 17576681, 9536098). Algorithms developed to predict the effect of sequence changes on RNA splicing suggest that this variant is not likely to affect RNA splicing. In summary, the available evidence is currently insufficient to determine the role of this variant in disease. Therefore, it has been classified as a Variant of Uncertain Significance.

Blueprint Genetics
Classification: Uncertain significance. Last evaluated: 2024-03-28. Review status: criteria provided, single submitter. Criteria: ACMG Guidelines, 2015. Collection method: clinical testing. Allele origin: germline.

Ambry Genetics
Classification: Uncertain significance for Cardiovascular phenotype. Last evaluated: 2023-11-07. Review status: criteria provided, single submitter. Criteria: Ambry Variant Classification Scheme 2023. Collection method: clinical testing. Allele origin: germline.
Comment: The c.6209-3C>G intronic variant results from a C to G substitution 3 nucleotides upstream from coding exon 38 in the FLNC gene. This nucleotide position is not well conserved in available vertebrate species. In silico splice site analysis predicts that this alteration will not have any significant effect on splicing. Since supporting evidence is limited at this time, the clinical significance of this alteration remains unclear.

Revvity Omics, Revvity
Classification: Uncertain significance. Last evaluated: 2019-06-19. Review status: criteria provided, single submitter. Criteria: ACMG Guidelines, 2015. Collection method: clinical testing. Allele origin: germline.

GeneDx
Classification: Uncertain significance. Last evaluated: 2019-04-09. Review status: criteria provided, single submitter. Criteria: GeneDx Variant Classification Process June 2021. Collection method: clinical testing. Allele origin: germline. Affected: yes.
Comment: Has not been previously published as pathogenic or benign to our knowledge; Observed in 0.0022% (6/276758) of global alleles in large population cohorts (Lek et al., 2016); Reported in ClinVar as a variant of uncertain significance (ClinVar Variant ID# 539402; Landrum et al., 2016); In silico analysis, which includes splice predictors and evolutionary conservation, supports a deleterious effect; Several other splicing variants in FLNC are reported in HGMD in association with cardiomyopathy, although the majority are located upstream of this variant (Stenson et al., 2014)

Literature cited by the submitters: PubMed 17576681 (cited by Labcorp Genetics (formerly Invitae), Labcorp); PubMed 9536098 (cited by Labcorp Genetics (formerly Invitae), Labcorp).

NM_001458.5(FLNC):c.6209-3C>G

Genes: FLNC (filamin C; plus strand), FLNC-AS1 (FLNC antisense RNA 1; minus strand). Cytogenetic location: 7q32.1.
Variant type: single nucleotide variant.
Coding change: c.6209-3C>G on transcript NM_001458.5 (MANE Select); 3 bases into the intron before coding-DNA position 6209, C replaced by G.
Molecular consequence: intron variant.
Genome position (GRCh38, 1-based): chr7:128,853,466, C>G. VCF-style: chr7-128853466-C-G. GRCh37 (hg19) VCF-style: chr7-128493520-C-G.
Other names: c.6110-3C>G (NM_001127487.2).
Identifiers: ClinVar variation 539402 (VCV000539402.25), dbSNP rs896971028, ClinGen allele CA166190591.
Genomic context (GRCh38, chr7:128,853,466, plus strand): 5'-AGGAAAGCATTGTGGCTTGGCCAGCCTAGGACTGAGGGAGATGTGTTCCTTGCTTTCCCC[C>G]AGGTTATGGGGGCTTGGGGCTGAGTATTGAAGGCCCAAGCAAGGTGGACATCAACTGTGA-3'